The following is an entry in ClinVar:

NM_005097.4(LGI1):c.429C>G (p.His143Gln)

Gene: LGI1 (leucine rich glioma inactivated 1; plus strand). Cytogenetic location: 10q23.33.
Variant type: single nucleotide variant.
Coding change: c.429C>G on transcript NM_005097.4 (MANE Select); coding-DNA position 429, C replaced by G.
Protein change: p.His143Gln; replaces histidine 143 with glutamine.
Molecular consequence: missense variant. On other transcripts: intron variant (1).
Genome position (GRCh38, 1-based): chr10:93,777,615, C>G. VCF-style: chr10-93777615-C-G. GRCh37 (hg19) VCF-style: chr10-95537372-C-G.
Other names: c.429C>G, p.His143Gln (NM_001308275.2); c.288-12484C>G (NM_001308276.2); short protein forms H143Q.
Identifiers: ClinVar variation 2506829 (VCV002506829.2), dbSNP rs752524884, ClinGen allele CA377621161.

ClinVar aggregate classification (germline): Uncertain significance (1 of 4 stars; one submission).

Submission:

GeneDx
Classification: Uncertain significance. Last evaluated: 2025-03-18. Review status: criteria provided, single submitter. Criteria: GeneDx Variant Classification Process June 2021. Collection method: clinical testing. Allele origin: germline. Affected: yes.
Comment: Not observed at significant frequency in large population cohorts (gnomAD); In silico analysis supports that this missense variant has a deleterious effect on protein structure/function; Has not been previously published as pathogenic or benign to our knowledge